The following is an entry in ClinVar:

NM_000037.4(ANK1):c.1729G>A (p.Val577Ile)

Genes: ANK1 (ankyrin 1; minus strand), LOC126860369 (BRD4-independent group 4 enhancer GRCh37_chr8:41570734-41571933; plus strand). Cytogenetic location: 8p11.21.
Variant type: single nucleotide variant.
Coding change: c.1729G>A on transcript NM_000037.4 (MANE Select); coding-DNA position 1729, G replaced by A.
Protein change: p.Val577Ile; replaces valine 577 with isoleucine.
Molecular consequence: missense variant.
Genome position (GRCh38, 1-based): chr8:41,714,227, C>T on the plus strand (G>A on the coding strand, the complement: ANK1 is on the minus strand). VCF-style: chr8-41714227-C-T. GRCh37 (hg19) VCF-style: chr8-41571745-C-T.
Other names: p.Val577Ile; c.1828G>A, p.Val610Ile (NM_001142446.2); c.1729G>A, p.Val577Ile (NM_020475.3, NM_020476.3, NM_020477.3); short protein forms V577I, V610I.
Identifiers: ClinVar variation 2627402 (VCV002627402.3), dbSNP rs375918344, ClinGen allele CA4728504.

ClinVar aggregate classification (germline): Uncertain significance. Review status: criteria provided, multiple submitters, no conflicts (2 of 4 stars). 3 submissions from 3 submitters: Uncertain significance (3). Last evaluated 2024-10-15.

Conditions:
Hereditary spherocytosis type 1. Also called: Spherocytosis type 1; ANK1-Related Spherocytosis. Identifiers: Orphanet 822, MedGen C2674218, MONDO:0008447, OMIM 182900.

Allele frequency attached by ClinVar (database versions not stated): TOPMed 0.00002; gnomAD 0.00007.
gnomAD v4.1: 80 of 1,538,784 alleles (0.0052%); highest among the groups gnomAD compares: South Asian, 0.011%; 1 homozygote.

Submissions (3):

Mayo Clinic Laboratories, Mayo Clinic
Classification: Uncertain significance. Last evaluated: 2024-10-15. Review status: criteria provided, single submitter. Criteria: ACMG Guidelines, 2015. Collection method: clinical testing. Allele origin: germline. Observed: 1 variant allele.
Comment: PM2_supporting

ARUP Laboratories, Molecular Genetics and Genomics, ARUP Laboratories
Classification: Uncertain significance for Hereditary spherocytosis type 1. Last evaluated: 2023-12-05. Review status: criteria provided, single submitter. Criteria: ARUP Molecular Germline Variant Investigation Process 2024. Collection method: clinical testing. Allele origin: germline.

Neuberg Centre For Genomic Medicine, NCGM
Classification: Uncertain significance for Hereditary spherocytosis type 1. Review status: criteria provided, single submitter. Criteria: ACMG Guidelines, 2015. Collection method: clinical testing. Allele origin: germline. Inheritance: Autosomal dominant inheritance. Affected: yes.
Comment: The missense variant p.V577I in ANK1 (NM_000037.4) has not been reported previously as a pathogenic variant nor as a benign variant, to our knowledge.The p.V577I missense variant is predicted to be damaging by both SIFT and PolyPhen2. The valine residue at codon 577 of ANK1 is conserved in all mammalian species. The nucleotide c.1729 in ANK1 is predicted conserved by GERP++ and PhyloP across 100 vertebrates.For these reasons, this variant has been classified as Uncertain Significance.